The following is an entry in ClinVar:

ClinVar aggregate classification (germline): Uncertain significance. Review status: criteria provided, multiple submitters, no conflicts (2 of 4 stars). 2 submissions from 2 submitters: Uncertain significance (2). Last evaluated 2025-04-07.

Conditions:
Early-infantile DEE. Also called: Early infantile epileptic encephalopathy with suppression bursts; Early infantile epileptic encephalopathy; Ohtahara syndrome. Identifiers: Orphanet 1934, MedGen C0393706, MONDO:0800491.

Allele frequency attached by ClinVar (database versions not stated): gnomAD exomes 0.00001; TOPMed below 0.00001; gnomAD 0.00001.
gnomAD v4.1: 17 of 1,613,618 alleles (0.0011%); highest among the groups gnomAD compares: Non-Finnish European, 0.0014%; no homozygotes.

Submissions (2):

Labcorp Genetics (formerly Invitae), Labcorp
Classification: Uncertain significance for Early-infantile DEE. Last evaluated: 2025-04-07. Review status: criteria provided, single submitter. Criteria: Invitae Variant Classification Sherloc (09022015). Collection method: clinical testing. Allele origin: germline.
Comment: This sequence change replaces proline, which is neutral and non-polar, with arginine, which is basic and polar, at codon 147 of the ARHGEF15 protein (p.Pro147Arg). This variant is not present in population databases (gnomAD no frequency). This variant has not been reported in the literature in individuals affected with ARHGEF15-related conditions. ClinVar contains an entry for this variant (Variation ID: 3129083). An algorithm developed to predict the effect of missense changes on protein structure and function (PolyPhen-2) suggests that this variant is likely to be disruptive. In summary, the available evidence is currently insufficient to determine the role of this variant in disease. Therefore, it has been classified as a Variant of Uncertain Significance.

Ambry Genetics
Classification: Uncertain significance. Last evaluated: 2023-12-27. Review status: criteria provided, single submitter. Criteria: Ambry Variant Classification Scheme 2023. Collection method: clinical testing. Allele origin: germline.

NM_173728.4(ARHGEF15):c.440C>G (p.Pro147Arg)

Gene: ARHGEF15 (Rho guanine nucleotide exchange factor 15; plus strand). Cytogenetic location: 17p13.1.
Variant type: single nucleotide variant.
Coding change: c.440C>G on transcript NM_173728.4 (MANE Select); coding-DNA position 440, C replaced by G.
Protein change: p.Pro147Arg; replaces proline 147 with arginine.
Molecular consequence: missense variant.
Genome position (GRCh38, 1-based): chr17:8,312,479, C>G. VCF-style: chr17-8312479-C-G. GRCh37 (hg19) VCF-style: chr17-8215797-C-G.
Other names: c.440C>G, p.Pro147Arg (NM_025014.2); short protein forms P147R.
Identifiers: ClinVar variation 3129083 (VCV003129083.3), dbSNP rs1417050466, ClinGen allele CA398014612.